The following is an entry in ClinVar:

NM_014423.4(AFF4):c.202_207del (p.Asp68_Arg69del)

Gene: AFF4 (ALF transcription elongation factor 4; minus strand). Cytogenetic location: 5q31.1.
Variant type: Deletion.
Coding change: c.202_207del on transcript NM_014423.4 (MANE Select); coding-DNA positions 202 to 207, 6 bases deleted (GACAGA; older notation c.202_207delGACAGA).
Protein change: p.Asp68_Arg69del.
Molecular consequence: inframe deletion.
Genome position (GRCh38, 1-based): chr5:132,934,858-132,934,863, TCTGTC deleted on the plus strand (GACAGA on the coding strand, the reverse complement: AFF4 is on the minus strand); deleting any 6 consecutive bases within chr5:132,934,858-132,934,865 gives the same sequence; the c. name uses the placement nearest the transcript's 3' end. VCF-style (leftmost placement, unchanged base first): chr5-132934857-ATCTGTC-A. GRCh37 (hg19) VCF-style: chr5-132270549-ATCTGTC-A.
Identifiers: ClinVar variation 4994381 (VCV004994381.1).

ClinVar aggregate classification (germline): Uncertain significance (1 of 4 stars; one submission).

Conditions:
AFF4-related disorder. Also called: AFF4-related condition.

Submission:

PreventionGenetics, part of Exact Sciences
Classification: Uncertain significance for AFF4-related condition. Last evaluated: 2025-09-02. Review status: criteria provided, single submitter. Criteria: ACMG Guidelines, 2015. Collection method: clinical testing. Allele origin: germline.
Comment: The AFF4 c.202_207del6 variant is predicted to result in an in-frame deletion (p.Asp68_Arg69del). To our knowledge, this variant has not been reported in the literature or in a large population database (gnomAD), indicating this variant is rare. At this time, the clinical significance of this variant is uncertain due to the absence of conclusive functional and genetic evidence.